The following is an entry in ClinVar:

ClinVar aggregate classification (germline): Uncertain significance (1 of 4 stars; one submission).

Conditions:
Early onset severe obesity. Identifiers: MedGen C4013980.

Submission:

Cambridge Genomics Laboratory, East Genomic Laboratory Hub, NHS Genomic Medicine Service
Classification: Uncertain significance for Severe early-onset obesity. Last evaluated: 2026-09-28. Review status: criteria provided, single submitter. Criteria: ACGS Best Practice Guidelines for Variant Classification in Rare Disease 2020. Collection method: clinical testing. Allele origin: germline. Affected: yes.
Comment: PM2

NM_005912.3(MC4R):c.389G>A (p.Cys130Tyr)

Gene: MC4R (melanocortin 4 receptor; minus strand). Cytogenetic location: 18q21.32.
Variant type: single nucleotide variant.
Coding change: c.389G>A on transcript NM_005912.3 (MANE Select); coding-DNA position 389, G replaced by A.
Protein change: p.Cys130Tyr; replaces cysteine 130 with tyrosine.
Molecular consequence: missense variant.
Genome position (GRCh38, 1-based): chr18:60,371,961, C>T on the plus strand (G>A on the coding strand, the complement: MC4R is on the minus strand). VCF-style: chr18-60371961-C-T. GRCh37 (hg19) VCF-style: chr18-58039194-C-T.
Other names: short protein forms C130Y.
Identifiers: ClinVar variation 5016516 (VCV005016516.1).
Genomic context (GRCh38, chr18:60,371,961, plus strand): 5'-GTAAAGTACCTGTCCACTGCAATTGAAAGCAGGCTGCAAATGGATGCAAGCAAGGAGCTA[C>T]AGATCACCGAGTCAATGACATTATCAATATTCACTGTGAAACTCTGTGCATCCGTATCTG-3'
Protein context (NP_005903.2, residues 120-140): NIDNVIDSVI[Cys130Tyr]SSLLASICSL